The following is an entry in ClinVar:

NM_001349253.2(SCN11A):c.2288G>A (p.Arg763His)

Gene: SCN11A (sodium voltage-gated channel alpha subunit 11; minus strand). Cytogenetic location: 3p22.2.
Variant type: single nucleotide variant.
Coding change: c.2288G>A on transcript NM_001349253.2 (MANE Select); coding-DNA position 2288, G replaced by A.
Protein change: p.Arg763His; replaces arginine 763 with histidine.
Molecular consequence: missense variant.
Genome position (GRCh38, 1-based): chr3:38,896,960, C>T on the plus strand (G>A on the coding strand, the complement: SCN11A is on the minus strand). VCF-style: chr3-38896960-C-T. GRCh37 (hg19) VCF-style: chr3-38938451-C-T.
Other names: c.2288G>A, p.Arg763His (NM_014139.3); short protein forms R763H.
Identifiers: ClinVar variation 567053 (VCV000567053.12), dbSNP rs372078622, ClinGen allele CA2322094.
Genomic context (GRCh38, chr3:38,896,960, plus strand): 5'-GATGCATTCGCTTCTTGCATACATTCCCACATATTTTCGATCCATTCCCCGCAGAGGATG[C>T]GGAATACCACTAGGAAGGAGTGCCAGAAATCCCCCATGTGCCAGTGCCGTAAACATGAGA-3'
Protein context (NP_001336182.1, residues 753-773): DFWHSFLVVF[Arg763His]ILCGEWIENM

ClinVar aggregate classification (germline): Conflicting classifications of pathogenicity. Review status: criteria provided, conflicting classifications (1 of 4 stars). 4 submissions from 4 submitters: Uncertain significance (3); Likely benign (1). Last evaluated 2026-08-05.

Conditions:
SCN11A-related disorder. Also called: SCN11A-related condition.
Inborn genetic diseases. Identifiers: MedGen C0950123, MeSH D030342.
Familial episodic pain syndrome with predominantly lower limb involvement. Also called: Episodic pain syndrome, familial, 3. Identifiers: Orphanet 391384, Orphanet 391392, MedGen C3809899, MONDO:0014247, OMIM 615552.
Hereditary sensory and autonomic neuropathy type 7. Also called: HSAN VII; Neuropathy, hereditary sensory and autonomic, type VII. Identifiers: Orphanet 391397, MedGen C3809882, MONDO:0014244, OMIM 615548.

Allele frequency attached by ClinVar (database versions not stated): gnomAD exomes 0.00006 and 0.00010; ExAC 0.00007; ESP Exome Variant Server 0.00008; TOPMed 0.00008; gnomAD 0.00009; 1000 Genomes Project 30x 0.00016; 1000 Genomes Project 0.00020.
gnomAD v4.1: 165 of 1,614,060 alleles (0.01%); highest among the groups gnomAD compares: Non-Finnish European, 0.012%; no homozygotes.

Submissions (4):

PreventionGenetics, part of Exact Sciences
Classification: Uncertain significance for SCN11A-related condition. Last evaluated: 2026-08-05. Review status: criteria provided, single submitter. Criteria: ACMG Guidelines, 2015. Collection method: clinical testing. Allele origin: germline.
Comment: The SCN11A c.2288G>A variant is predicted to result in the amino acid substitution p.Arg763His. To our knowledge, this variant has not been reported in the literature. This variant is reported in 0.0093% of alleles in individuals of European (Non-Finnish) descent in gnomAD. At this time, the clinical significance of this variant is uncertain due to the absence of conclusive functional and genetic evidence.

Labcorp Genetics (formerly Invitae), Labcorp
Classification: Uncertain significance for Familial episodic pain syndrome with predominantly lower limb involvement; Hereditary sensory and autonomic neuropathy type 7. Last evaluated: 2025-03-13. Review status: criteria provided, single submitter. Criteria: Invitae Variant Classification Sherloc (09022015). Collection method: clinical testing. Allele origin: germline.
Comment: This sequence change replaces arginine, which is basic and polar, with histidine, which is basic and polar, at codon 763 of the SCN11A protein (p.Arg763His). This variant is present in population databases (rs372078622, gnomAD 0.009%). This variant has not been reported in the literature in individuals affected with SCN11A-related conditions. ClinVar contains an entry for this variant (Variation ID: 567053). Invitae Evidence Modeling of protein sequence and biophysical properties (such as structural, functional, and spatial information, amino acid conservation, physicochemical variation, residue mobility, and thermodynamic stability) indicates that this missense variant is expected to disrupt SCN11A protein function with a positive predictive value of 80%. In summary, the available evidence is currently insufficient to determine the role of this variant in disease. Therefore, it has been classified as a Variant of Uncertain Significance.

Ambry Genetics
Classification: Likely benign for Inborn genetic diseases. Last evaluated: 2020-12-30. Review status: criteria provided, single submitter. Criteria: Ambry Variant Classification Scheme 2023. Collection method: clinical testing. Allele origin: germline.

GeneDx
Classification: Uncertain significance. Last evaluated: 2019-10-30. Review status: criteria provided, single submitter. Criteria: GeneDx Variant Classification Process June 2021. Collection method: clinical testing. Allele origin: germline. Affected: yes.
Comment: In silico analysis, which includes protein predictors and evolutionary conservation, supports a deleterious effect; Has not been previously published as pathogenic or benign to our knowledge